The following is an entry in ClinVar:

ClinVar aggregate classification (germline): Uncertain significance (1 of 4 stars; one submission).

Conditions:
Microcephaly 17, primary, autosomal recessive (MCPH17). Identifiers: Orphanet 2512, MedGen C4310723, MONDO:0014908, OMIM 617090.

Allele frequency attached by ClinVar (database versions not stated): gnomAD exomes below 0.00001.
gnomAD v4.1: 1 of 1,612,674 alleles (0.000062%); highest among the groups gnomAD compares: Admixed American, 0.0017%; no homozygotes.

Submission:

Baylor Genetics
Classification: Uncertain significance for Microcephaly 17, primary, autosomal recessive. Last evaluated: 2018-02-06. Review status: criteria provided, single submitter. Criteria: ACMG Guidelines, 2015. Collection method: clinical testing. Allele origin: unknown. Affected: yes.
Comment: This variant was determined to be of uncertain significance according to ACMG Guidelines, 2015 [PMID:25741868].

NM_001206999.2(CIT):c.644T>C (p.Met215Thr)

Gene: CIT (citron rho-interacting serine/threonine kinase; minus strand). Cytogenetic location: 12q24.23.
Variant type: single nucleotide variant.
Coding change: c.644T>C on transcript NM_001206999.2 (MANE Select); coding-DNA position 644, T replaced by C.
Protein change: p.Met215Thr; replaces methionine 215 with threonine.
Molecular consequence: missense variant.
Genome position (GRCh38, 1-based): chr12:119,834,101, A>G on the plus strand (T>C on the coding strand, the complement: CIT is on the minus strand). VCF-style: chr12-119834101-A-G. GRCh37 (hg19) VCF-style: chr12-120271905-A-G.
Other names: c.644T>C, p.Met215Thr (NM_007174.3); short protein forms M215T.
Identifiers: ClinVar variation 1032704 (VCV001032704.1), dbSNP rs1968834418, ClinGen allele CA386546010.